The following is an entry in ClinVar:

ClinVar aggregate classification (germline): Uncertain significance. Review status: criteria provided, multiple submitters, no conflicts (2 of 4 stars). 2 submissions from 2 submitters: Uncertain significance (2). Last evaluated 2024-02-29.

Conditions:
Hereditary cancer-predisposing syndrome. Also called: Hereditary Cancer Syndrome; Tumor predisposition; Neoplastic Syndromes, Hereditary; Hereditary neoplastic syndrome. Identifiers: Orphanet 140162, MedGen C0027672, MeSH D009386, MONDO:0015356.

Allele frequency attached by ClinVar (database versions not stated): TOPMed below 0.00001; gnomAD exomes 0.00001.
gnomAD v4.1: 11 of 1,614,166 alleles (0.00068%); highest among the groups gnomAD compares: Non-Finnish European, 0.00093%; no homozygotes.

Submissions (2):

Ambry Genetics
Classification: Uncertain significance for Hereditary cancer-predisposing syndrome. Last evaluated: 2024-02-29. Review status: criteria provided, single submitter. Criteria: Ambry Variant Classification Scheme 2023. Collection method: clinical testing. Allele origin: germline.
Comment: The p.E101A variant (also known as c.302A>C), located in coding exon 3 of the EPCAM gene, results from an A to C substitution at nucleotide position 302. The glutamic acid at codon 101 is replaced by alanine, an amino acid with dissimilar properties. This amino acid position is conserved. In addition, this alteration is predicted to be tolerated by in silico analysis. Based on the available evidence, the clinical significance of this alteration remains unclear.

Labcorp Genetics (formerly Invitae), Labcorp
Classification: Uncertain significance. Last evaluated: 2014-07-09. Review status: criteria provided, single submitter. Criteria: Invitae Variant Classification Sherloc (09022015). Collection method: clinical testing. Allele origin: germline.
Comment: There is no evidence to indicate that this sequence change is pathogenic. It is possible that this sequence change represents a benign polymorphism in the EPCAM gene, although at this time the evidence is insufficient to prove that conclusively. This missense sequence change has not been reported in affected patients and has not been reported as a common polymorphism in the population. All cancer-causing EPCAM variants described to date are exonic deletions of the three prime end of the gene. Algorithms developed to predict the effect of missense changes on protein structure and function (SIFT, MutationTaster, AlignGVGD) suggest that this sequence change is likely to be tolerated, but these predictions have not been confirmed by functional studies.

NM_002354.3(EPCAM):c.302A>C (p.Glu101Ala)

Gene: EPCAM (epithelial cell adhesion molecule; plus strand). Cytogenetic location: 2p21.
Variant type: single nucleotide variant.
Coding change: c.302A>C on transcript NM_002354.3 (MANE Select); coding-DNA position 302, A replaced by C.
Protein change: p.Glu101Ala; replaces glutamic acid 101 with alanine.
Molecular consequence: missense variant.
Genome position (GRCh38, 1-based): chr2:47,373,925, A>C. VCF-style: chr2-47373925-A-C. GRCh37 (hg19) VCF-style: chr2-47601064-A-C.
Other names: c.302A>C (NM_002354.2); short protein forms E101A.
Identifiers: ClinVar variation 1016292 (VCV001016292.9), dbSNP rs1671352751, ClinGen allele CA346723128.
Genomic context (GRCh38, chr2:47,373,925, plus strand): 5'-GAGCAAAACCTGAAGGGGCCCTCCAGAACAATGATGGGCTTTATGATCCTGACTGCGATG[A>C]GAGCGGGCTCTTTAAGGCCAAGCAGTGCAACGGCACCTCCATGTGCTGGTGTGTGAACAC-3'
Protein context (NP_002345.2, residues 91-111): NDGLYDPDCD[Glu101Ala]SGLFKAKQCN